The following is an entry in ClinVar:

ClinVar aggregate classification (germline): Uncertain significance (1 of 4 stars; one submission).

Conditions:
Gastrointestinal stromal tumor. Also called: Gastrointestinal stromal tumor, somatic; Gastrointestinal stroma tumor. Identifiers: Orphanet 44890, MedGen C0238198, MeSH D046152, MONDO:0011719, OMIM 606764, HP:0100723.

Submission:

Labcorp Genetics (formerly Invitae), Labcorp
Classification: Uncertain significance for Gastrointestinal stromal tumor. Last evaluated: 2022-09-01. Review status: criteria provided, single submitter. Criteria: Invitae Variant Classification Sherloc (09022015). Collection method: clinical testing. Allele origin: germline.
Comment: This sequence change replaces threonine, which is neutral and polar, with isoleucine, which is neutral and non-polar, at codon 463 of the PDGFRA protein (p.Thr463Ile). This variant is not present in population databases (gnomAD no frequency). This variant has not been reported in the literature in individuals affected with PDGFRA-related conditions. ClinVar contains an entry for this variant (Variation ID: 568659). Algorithms developed to predict the effect of missense changes on protein structure and function (SIFT, PolyPhen-2, Align-GVGD) all suggest that this variant is likely to be tolerated. In summary, the available evidence is currently insufficient to determine the role of this variant in disease. Therefore, it has been classified as a Variant of Uncertain Significance.

NM_006206.6(PDGFRA):c.1388C>T (p.Thr463Ile)

Gene: PDGFRA (platelet derived growth factor receptor alpha; plus strand). Cytogenetic location: 4q12.
Variant type: single nucleotide variant.
Coding change: c.1388C>T on transcript NM_006206.6 (MANE Select); coding-DNA position 1388, C replaced by T.
Protein change: p.Thr463Ile; replaces threonine 463 with isoleucine.
Molecular consequence: missense variant.
Genome position (GRCh38, 1-based): chr4:54,273,560, C>T. VCF-style: chr4-54273560-C-T. GRCh37 (hg19) VCF-style: chr4-55139727-C-T.
Other names: c.1388C>T, p.Thr463Ile (NM_001347827.2, NM_001347829.2); c.1463C>T, p.Thr488Ile (NM_001347828.2); c.1427C>T, p.Thr476Ile (NM_001347830.2); short protein forms T463I, T488I, T476I.
Identifiers: ClinVar variation 568659 (VCV000568659.11), dbSNP rs375047532, ClinGen allele CA356892467.